The following is an entry in ClinVar:

NM_024753.5(TTC21B):c.1757T>C (p.Leu586Pro)

Gene: TTC21B (tetratricopeptide repeat domain 21B; minus strand). Cytogenetic location: 2q24.3.
Variant type: single nucleotide variant.
Coding change: c.1757T>C on transcript NM_024753.5 (MANE Select); coding-DNA position 1757, T replaced by C.
Protein change: p.Leu586Pro; replaces leucine 586 with proline.
Molecular consequence: missense variant.
Genome position (GRCh38, 1-based): chr2:165,917,399, A>G on the plus strand (T>C on the coding strand, the complement: TTC21B is on the minus strand). VCF-style: chr2-165917399-A-G. GRCh37 (hg19) VCF-style: chr2-166773909-A-G.
Other names: short protein forms L586P.
Identifiers: ClinVar variation 1513894 (VCV001513894.5), dbSNP rs757261493, ClinGen allele CA1942023.
Genomic context (GRCh38, chr2:165,917,399, plus strand): 5'-TCTTTTGATTTTGTGGAAGCTCCAATTCTTTTCATTCCTGGTAAACTCATTGCCATATGC[A>G]GTGTTTTAATTGCGTCTGCTATTTCTCCCATTTTCTTTTGTGACTGAGCTTTTATCAAAT-3'
Protein context (NP_079029.3, residues 576-596): MGEIADAIKT[Leu586Pro]HMAMSLPGMK

ClinVar aggregate classification (germline): Uncertain significance (1 of 4 stars; one submission).

Conditions:
Jeune thoracic dystrophy. Also called: Jeune syndrome; Infantile thoracic dystrophy; Thoracic pelvic phalangeal dystrophy; Jeune's syndrome; Chondroectodermal dysplasia-like syndrome; Short-rib thoracic dysplasia. Identifiers: Orphanet 474, MedGen C0265275, MONDO:0018770.
Nephronophthisis. Also called: Juvenile Nephronophthisis. Identifiers: Orphanet 655, MedGen C0687120, MONDO:0019005, HP:0000090.

Allele frequency attached by ClinVar (database versions not stated): TOPMed below 0.00001; ExAC 0.00001; gnomAD exomes 0.00002.
gnomAD v4.1: 14 of 1,614,148 alleles (0.00087%); highest among the groups gnomAD compares: Non-Finnish European, 0.0012%; no homozygotes.

Submission:

Labcorp Genetics (formerly Invitae), Labcorp
Classification: Uncertain significance for Jeune thoracic dystrophy; Nephronophthisis. Last evaluated: 2022-02-10. Review status: criteria provided, single submitter. Criteria: Invitae Variant Classification Sherloc (09022015). Collection method: clinical testing. Allele origin: germline.
Comment: This sequence change replaces leucine, which is neutral and non-polar, with proline, which is neutral and non-polar, at codon 586 of the TTC21B protein (p.Leu586Pro). This variant is present in population databases (rs757261493, gnomAD 0.004%). This variant has not been reported in the literature in individuals affected with TTC21B-related conditions. Algorithms developed to predict the effect of missense changes on protein structure and function are either unavailable or do not agree on the potential impact of this missense change (SIFT: "Deleterious"; PolyPhen-2: "Probably Damaging"; Align-GVGD: "Class C0"). In summary, the available evidence is currently insufficient to determine the role of this variant in disease. Therefore, it has been classified as a Variant of Uncertain Significance.